The following is an entry in ClinVar:

NM_018100.4(EFHC1):c.731G>A (p.Arg244Gln)

Gene: EFHC1 (EF-hand domain containing 1; plus strand). Cytogenetic location: 6p12.2.
Variant type: single nucleotide variant.
Coding change: c.731G>A on transcript NM_018100.4 (MANE Select); coding-DNA position 731, G replaced by A.
Protein change: p.Arg244Gln; replaces arginine 244 with glutamine.
Molecular consequence: missense variant. On other transcripts: non-coding transcript variant (1).
Genome position (GRCh38, 1-based): chr6:52,454,102, G>A. VCF-style: chr6-52454102-G-A. GRCh37 (hg19) VCF-style: chr6-52318900-G-A.
Other names: p.R244Q:CGA>CAA; NC_000006.12(NM_018100.4):c.731G>A; NM_018100.4(EFHC1):p.(Arg244Gln); NM_018100.4(NP_060570.2):p.(Arg244Gln); NM_018100.4:c.731G>A; c.674G>A, p.Arg225Gln (NM_001172420.2); short protein forms R244Q, R225Q.
Identifiers: ClinVar variation 205388 (VCV000205388.14), dbSNP rs140476054, ClinGen allele CA314412.

ClinVar aggregate classification (germline): Conflicting classifications of pathogenicity. Review status: criteria provided, conflicting classifications (1 of 4 stars). 4 submissions from 4 submitters: Uncertain significance (3); Benign (1). Last evaluated 2025-02-24.

Conditions:
Myoclonic epilepsy, juvenile, susceptibility to, 1. Also called: Myoclonic Epilepsy, Juvenile, 1; EJM1. Identifiers: MedGen C1850778, MONDO:0020752, OMIM 254770.
Absence seizure. Also called: Absence epilepsy. Identifiers: Orphanet 1941, MedGen C0014553.
Epilepsy, idiopathic generalized, susceptibility to, 7. Also called: EIG7; Epilepsy, idiopathic generalized 7. Identifiers: Orphanet 307, MedGen C2751729, MONDO:0011491, OMIM 604827.

Allele frequency attached by ClinVar (database versions not stated): ExAC 0.00007; TOPMed 0.00009; gnomAD 0.00010 and 0.00013; gnomAD exomes 0.00010; 1000 Genomes Project 0.00020; ESP Exome Variant Server 0.00023; 1000 Genomes Project 30x 0.00031.
gnomAD v4.1: 242 of 1,613,180 alleles (0.015%); highest among the groups gnomAD compares: Middle Eastern, 0.14%; no homozygotes.

Submissions (4):

Labcorp Genetics (formerly Invitae), Labcorp
Classification: Uncertain significance for Myoclonic epilepsy, juvenile, susceptibility to, 1; Absence seizure. Last evaluated: 2025-02-24. Review status: criteria provided, single submitter. Criteria: Invitae Variant Classification Sherloc (09022015). Collection method: clinical testing. Allele origin: germline.
Comment: This sequence change replaces arginine, which is basic and polar, with glutamine, which is neutral and polar, at codon 244 of the EFHC1 protein (p.Arg244Gln). This variant is present in population databases (rs140476054, gnomAD 0.02%). This missense change has been observed in individual(s) with clinical features of EFHC1-related conditions (PMID: 36937954). ClinVar contains an entry for this variant (Variation ID: 205388). Invitae Evidence Modeling of protein sequence and biophysical properties (such as structural, functional, and spatial information, amino acid conservation, physicochemical variation, residue mobility, and thermodynamic stability) indicates that this missense variant is expected to disrupt EFHC1 protein function with a positive predictive value of 80%. In summary, the available evidence is currently insufficient to determine the role of this variant in disease. Therefore, it has been classified as a Variant of Uncertain Significance.

Blueprint Genetics
Classification: Uncertain significance. Last evaluated: 2024-11-06. Review status: criteria provided, single submitter. Criteria: ACMG Guidelines, 2015. Collection method: clinical testing. Allele origin: germline.

Experimental Epileptology, AG Lerche, Hertie Institute for Clinical Brain Research
Classification: Benign for Juvenile myoclonic epilepsy. Last evaluated: 2022-01-02. Review status: criteria provided, single submitter. Criteria: ACMG Guidelines, 2015. Collection method: research. Allele origin: germline. Affected: yes.
Comment: ACMG/AMP criteria: PP3, BS1, BS4

GeneDx
Classification: Uncertain significance. Last evaluated: 2015-07-22. Review status: criteria provided, single submitter. Criteria: GeneDx Variant Classification (06012015). Collection method: clinical testing. Allele origin: germline. Affected: yes.
Comment: p.Arg244Gln (CGA>CAA): c.731 G>A in exon 5 of the EFHC1 gene (NM_018100.3). The Arg244Gln missense substitution has not been published as a mutation, nor has it been reported as a benign polymorphism to our knowledge. The amino acid substitution is non-conservative, as a positively charged Arginine residue is replaced by an uncharged Glutamine residue. Arg244Gln alters a position that is highly conserved across species and in related proteins. This variant lies within the second DM10 domain of the protein, and missense mutations altering nearby codons in this domain have been reported in association with epilepsy (Suzuki et al., 2004; Bai et al., 2009). Multiple in silico models predict Arg244Gln may be damaging to protein structure/function. Based on the available information, Arg244Gln is a candidate for a disease-causing mutation, but the possibility that it is a rare benign variant cannot be excluded. The variant is found in EPILEPSY panel(s).

Literature cited by the submitters: PubMed 36937954 (cited by Labcorp Genetics (formerly Invitae), Labcorp).